The following is an entry in ClinVar:

NM_001025356.3(ANO6):c.48G>C (p.Glu16Asp)

Gene: ANO6 (anoctamin 6; plus strand). Cytogenetic location: 12q12.
Variant type: single nucleotide variant.
Coding change: c.48G>C on transcript NM_001025356.3 (MANE Select); coding-DNA position 48, G replaced by C.
Protein change: p.Glu16Asp; replaces glutamic acid 16 with aspartic acid.
Molecular consequence: missense variant.
Genome position (GRCh38, 1-based): chr12:45,216,369, G>C. VCF-style: chr12-45216369-G-C. GRCh37 (hg19) VCF-style: chr12-45610152-G-C.
Other names: c.48G>C, p.Glu16Asp (NM_001142679.2, NM_001204803.2); short protein forms E16D.
Identifiers: ClinVar variation 3127117 (VCV003127117.3), dbSNP rs140379296, ClinGen allele CA6524823.
Genomic context (GRCh38, chr12:45,216,369, plus strand): 5'-TTCTGAGGGAGACATGAAAAAGATGAGCAGGAATGTTTTGCTACAAATGGAGGAGGAGGA[G>C]GACGACGACGATGGGGATATCGGTGAGCGAGGGGTCCCCGCGTCCCCACCCGAGAGCCCG-3'
Protein context (NP_001020527.2, residues 6-26): RNVLLQMEEE[Glu16Asp]DDDDGDIVLE

ClinVar aggregate classification (germline): Conflicting classifications of pathogenicity. Review status: criteria provided, conflicting classifications (1 of 4 stars). 3 submissions from 3 submitters: Uncertain significance (1); Likely benign (1). 1 of the submissions does not count toward it. Last evaluated 2026-01-19.

Conditions:
Inborn genetic diseases. Identifiers: MedGen C0950123, MeSH D030342.
ANO6-related disorder. Also called: ANO6-related condition.

Allele frequency attached by ClinVar (database versions not stated): gnomAD 0.00003; TOPMed 0.00005; ExAC 0.00010; ESP Exome Variant Server 0.00015.
gnomAD v4.1: 63 of 1,612,728 alleles (0.0039%); highest among the groups gnomAD compares: South Asian, 0.0044%; no homozygotes.

Submissions (3):

Women's Health and Genetics/Laboratory Corporation of America, LabCorp
Classification: Uncertain significance. Last evaluated: 2026-01-19. Review status: criteria provided, single submitter. Criteria: LabCorp Variant Classification Summary - May 2015. Collection method: clinical testing. Allele origin: germline.
Comment: Variant summary: ANO6 c.48G>C (p.Glu16Asp) results in a conservative amino acid change in the encoded protein sequence. Algorithms developed to predict the effect of missense changes on protein structure and function all suggest that this variant is likely to be tolerated. The variant allele was found at a frequency of 9.7e-05 in 246802 control chromosomes. This frequency is not significantly higher than estimated for disease-causing variants in ANO6, allowing no conclusion about variant significance. To our knowledge, no occurrence of c.48G>C in individuals affected with ANO6-related conditions and no experimental evidence demonstrating its impact on protein function have been reported. ClinVar contains an entry for this variant (Variation ID: 3127117). Based on the evidence outlined above, the variant was classified as uncertain significance.

Ambry Genetics
Classification: Likely benign for Inborn genetic diseases. Last evaluated: 2023-11-06. Review status: criteria provided, single submitter. Criteria: Ambry Variant Classification Scheme 2023. Collection method: clinical testing. Allele origin: germline.

PreventionGenetics, part of Exact Sciences
Classification: Likely benign for ANO6-related condition. Last evaluated: 2024-06-19. Review status: no assertion criteria provided. Collection method: clinical testing. Allele origin: germline. Not counted in ClinVar's aggregate classification.
Comment: This variant is classified as likely benign based on ACMG/AMP sequence variant interpretation guidelines (Richards et al. 2015 PMID: 25741868, with internal and published modifications).